The following is an entry in ClinVar:

ClinVar aggregate classification (germline): Uncertain significance (1 of 4 stars; one submission).

Conditions:
Tuberous sclerosis 2 (TSC2). Identifiers: Orphanet 805, MedGen C1860707, MONDO:0013199, OMIM 613254.

Submission:

Labcorp Genetics (formerly Invitae), Labcorp
Classification: Uncertain significance for Tuberous sclerosis 2. Last evaluated: 2025-10-13. Review status: criteria provided, single submitter. Criteria: Invitae Variant Classification Sherloc (09022015). Collection method: clinical testing. Allele origin: germline.
Comment: This sequence change replaces proline, which is neutral and non-polar, with alanine, which is neutral and non-polar, at codon 1162 of the TSC2 protein (p.Pro1162Ala). This variant is not present in population databases (gnomAD no frequency). This variant has not been reported in the literature in individuals affected with TSC2-related conditions. ClinVar contains an entry for this variant (Variation ID: 566466). Invitae Evidence Modeling of protein sequence and biophysical properties (such as structural, functional, and spatial information, amino acid conservation, physicochemical variation, residue mobility, and thermodynamic stability) indicates that this missense variant is not expected to disrupt TSC2 protein function with a negative predictive value of 95%. In summary, the available evidence is currently insufficient to determine the role of this variant in disease. Therefore, it has been classified as a Variant of Uncertain Significance.

NM_000548.5(TSC2):c.3484C>G (p.Pro1162Ala)

Gene: TSC2 (TSC complex subunit 2; plus strand). Cytogenetic location: 16p13.3.
Variant type: single nucleotide variant.
Coding change: c.3484C>G on transcript NM_000548.5 (MANE Select); coding-DNA position 3484, C replaced by G.
Protein change: p.Pro1162Ala; replaces proline 1162 with alanine.
Molecular consequence: missense variant.
Genome position (GRCh38, 1-based): chr16:2,080,251, C>G. VCF-style: chr16-2080251-C-G. GRCh37 (hg19) VCF-style: chr16-2130252-C-G.
Other names: c.3352C>G, p.Pro1118Ala (NM_001077183.3, NM_001370404.1); c.3484C>G, p.Pro1162Ala (NM_001114382.3); c.3244C>G, p.Pro1082Ala (NM_001318827.2); c.3208C>G, p.Pro1070Ala (NM_001318829.2); c.2752C>G, p.Pro918Ala (NM_001318831.2); c.3385C>G, p.Pro1129Ala (NM_001318832.2); c.3355C>G, p.Pro1119Ala (NM_001363528.2, NM_001370405.1, NM_021055.3); short protein forms P1162A, P1118A, P1119A, P918A, P1082A, P1070A, P1129A.
Identifiers: ClinVar variation 566466 (VCV000566466.8), dbSNP rs895935495, ClinGen allele CA276746712.